The following is an entry in ClinVar:

NM_007294.4(BRCA1):c.442-20T>G

Gene: BRCA1 (BRCA1 DNA repair associated; minus strand). Cytogenetic location: 17q21.31.
Variant type: single nucleotide variant.
Coding change: c.442-20T>G on transcript NM_007294.4 (MANE Select); 20 bases into the intron before coding-DNA position 442, T replaced by G.
Molecular consequence: intron variant.
Genome position (GRCh38, 1-based): chr17:43,099,900, A>C on the plus strand (T>G on the coding strand, the complement: BRCA1 is on the minus strand). VCF-style: chr17-43099900-A-C. GRCh37 (hg19) VCF-style: chr17-41251917-A-C.
Other names: c.301-20T>G (NM_001408458.1, NM_001407922.1, NM_001408469.1 and 61 more transcripts); c.-218-5040T>G (NM_001407967.1, NM_001407966.1); c.61-20T>G (NM_001407959.1, NM_001408512.1, NM_001408510.1 and 3 more transcripts); c.301-23T>G (NM_001407931.1, NM_001407747.1, NM_001408470.1 and 35 more transcripts); c.61-23T>G (NM_001407962.1); c.232-20T>G (NM_001407885.1, NM_001407886.1, NM_001407881.1 and 37 more transcripts); c.442-23T>G (NM_001407686.1, NM_001408397.1, NM_001407632.1 and 65 more transcripts); c.442-20T>G (NM_001408436.1, NM_001407665.1, NM_001407980.1 and 96 more transcripts); and 5 more.
Identifiers: ClinVar variation 507598 (VCV000507598.13), dbSNP rs1555595012, ClinGen allele CA658798867.
Genomic context (GRCh38, chr17:43,099,900, plus strand): 5'-GTTCCAAGGTTAGAGAGTTGGACACTGAGACTGGTTTCCTGCTAAACAGTATGGTAAAGA[A>C]CAGTCAAGCAATTGTTGGCCAGTTCTGTGCTTTTCCTCCTGAAGAGAAACTTGACACCAT-3'

ClinVar aggregate classification (germline): Likely benign. Review status: criteria provided, multiple submitters, no conflicts (2 of 4 stars). 2 submissions from 2 submitters: Likely benign (2). Last evaluated 2022-12-29.

Conditions:
Hereditary breast ovarian cancer syndrome. Also called: Hereditary breast and ovarian cancer syndrome; Breast and ovarian cancer; BRCA1- and BRCA2-Associated Hereditary Breast and Ovarian Cancer; Hereditary breast and ovarian cancer syndrome (HBOC); Hereditary breast and/or ovarian cancer syndrome; Hereditary breast and ovarian cancer. Identifiers: Orphanet 145, MedGen C0677776, MeSH D061325, MONDO:0003582. Disease mechanism: loss of function.

Submissions (2):

Labcorp Genetics (formerly Invitae), Labcorp
Classification: Likely benign for Hereditary breast ovarian cancer syndrome. Last evaluated: 2022-12-29. Review status: criteria provided, single submitter. Criteria: Invitae Variant Classification Sherloc (09022015). Collection method: clinical testing. Allele origin: germline.

GeneDx
Classification: Likely benign. Last evaluated: 2017-11-06. Review status: criteria provided, single submitter. Criteria: GeneDx Variant Classification (06012015). Collection method: clinical testing. Allele origin: germline. Affected: yes.
Comment: This variant is considered likely benign or benign based on one or more of the following criteria: it is a conservative change, it occurs at a poorly conserved position in the protein, it is predicted to be benign by multiple in silico algorithms, and/or has population frequency not consistent with disease.